The following is an entry in ClinVar:

NM_004360.5(CDH1):c.1688C>A (p.Ala563Asp)

Gene: CDH1 (cadherin 1; plus strand). Cytogenetic location: 16q22.1.
Variant type: single nucleotide variant.
Coding change: c.1688C>A on transcript NM_004360.5 (MANE Select); coding-DNA position 1688, C replaced by A.
Protein change: p.Ala563Asp; replaces alanine 563 with aspartic acid.
Molecular consequence: missense variant. On other transcripts: intron variant (1).
Genome position (GRCh38, 1-based): chr16:68,819,402, C>A. VCF-style: chr16-68819402-C-A. GRCh37 (hg19) VCF-style: chr16-68853305-C-A.
Other names: c.1505C>A, p.Ala502Asp (NM_001317184.2); c.140C>A, p.Ala47Asp (NM_001317185.2); c.-254-2599C>A (NM_001317186.2); short protein forms A563D, A47D, A502D.
Identifiers: ClinVar variation 3721970 (VCV003721970.2).

ClinVar aggregate classification (germline): Uncertain significance (1 of 4 stars; one submission).

Conditions:
Hereditary diffuse gastric adenocarcinoma (HDGC). Also called: DIFFUSE GASTRIC AND LOBULAR BREAST CANCER SYNDROME. Identifiers: Orphanet 26106, MedGen C1708349, MONDO:0007648, OMIM 137215.

Submission:

Labcorp Genetics (formerly Invitae), Labcorp
Classification: Uncertain significance for Hereditary diffuse gastric adenocarcinoma. Last evaluated: 2025-04-28. Review status: criteria provided, single submitter. Criteria: Invitae Variant Classification Sherloc (09022015). Collection method: clinical testing. Allele origin: germline.
Comment: This sequence change replaces alanine, which is neutral and non-polar, with aspartic acid, which is acidic and polar, at codon 563 of the CDH1 protein (p.Ala563Asp). This variant is not present in population databases (gnomAD no frequency). This variant has not been reported in the literature in individuals affected with CDH1-related conditions. ClinVar contains an entry for this variant (Variation ID: 3721970). An algorithm developed to predict the effect of missense changes on protein structure and function (PolyPhen-2) suggests that this variant is likely to be disruptive. In summary, the available evidence is currently insufficient to determine the role of this variant in disease. Therefore, it has been classified as a Variant of Uncertain Significance.